The following is an entry in ClinVar:

NM_000059.4(BRCA2):c.4113_4114insA (p.Phe1372fs)

Gene: BRCA2 (BRCA2 DNA repair associated; plus strand). Cytogenetic location: 13q13.1.
Variant type: Insertion.
Coding change: c.4113_4114insA on transcript NM_000059.4 (MANE Select); coding-DNA positions 4113 to 4114, A inserted.
Protein change: p.Phe1372fs; shifts the reading frame from phenylalanine 1372.
Molecular consequence: frameshift variant. On other transcripts: non-coding transcript variant (1), intron variant (2).
Genome position: GRCh38 VCF-style: chr13-32338468-G-GA. GRCh37 (hg19) VCF-style: chr13-32912605-G-GA.
Other names: c.4113_4114insA, p.Phe1372fs (NM_001406719.1, NM_001406720.1, NM_001432077.1); c.1909+5081_1909+5082insA (NM_001406721.1); c.425-6090_425-6089insA (NM_001406722.1); short protein forms F1372fs.
Identifiers: ClinVar variation 4726272 (VCV004726272.1).

ClinVar aggregate classification (germline): Pathogenic (1 of 4 stars; one submission).

Conditions:
Hereditary breast ovarian cancer syndrome. Also called: Hereditary breast and/or ovarian cancer syndrome; Hereditary breast and ovarian cancer syndrome; Breast and ovarian cancer; Hereditary breast and ovarian cancer syndrome (HBOC); BRCA1- and BRCA2-Associated Hereditary Breast and Ovarian Cancer; Hereditary breast and ovarian cancer. Identifiers: Orphanet 145, MedGen C0677776, MeSH D061325, MONDO:0003582. Disease mechanism: loss of function.

Submission:

Labcorp Genetics (formerly Invitae), Labcorp
Classification: Pathogenic for Hereditary breast ovarian cancer syndrome. Last evaluated: 2025-08-29. Review status: criteria provided, single submitter. Criteria: Invitae Variant Classification Sherloc (09022015). Collection method: clinical testing. Allele origin: germline.
Comment: This sequence change creates a premature translational stop signal (p.Phe1372Ilefs*10) in the BRCA2 gene. It is expected to result in an absent or disrupted protein product. Loss-of-function variants in BRCA2 are known to be pathogenic (PMID: 20104584). This variant is not present in population databases (gnomAD no frequency). This variant has not been reported in the literature in individuals affected with BRCA2-related conditions. For these reasons, this variant has been classified as Pathogenic.

Literature cited by the submitters: PubMed 20104584.